The following is an entry in ClinVar:

NM_005876.5(SPEG):c.1753G>A (p.Gly585Ser)

Gene: SPEG (striated muscle enriched protein kinase; plus strand). Cytogenetic location: 2q35.
Variant type: single nucleotide variant.
Coding change: c.1753G>A on transcript NM_005876.5 (MANE Select); coding-DNA position 1753, G replaced by A.
Protein change: p.Gly585Ser; replaces glycine 585 with serine.
Molecular consequence: missense variant.
Genome position (GRCh38, 1-based): chr2:219,448,911, G>A. VCF-style: chr2-219448911-G-A. GRCh37 (hg19) VCF-style: chr2-220313633-G-A.
Other names: short protein forms G585S.
Identifiers: ClinVar variation 710548 (VCV000710548.33), dbSNP rs200066956, ClinGen allele CA2125708.
Genomic context (GRCh38, chr2:219,448,911, plus strand): 5'-GGGGACGAGCCTGGGAGGCCCAGGAGCCGCGGGCCGGCGGGCAGGACAGAGCCGGGGGAA[G>A]GCCCGCAGCAGGAGGTTAGGCGTCGGGACCAATTCCCGCTGACCCGGAGCAGAGCCATCC-3'
Protein context (NP_005867.3, residues 575-595): GPAGRTEPGE[Gly585Ser]PQQEVRRRDQ

ClinVar aggregate classification (germline): Conflicting classifications of pathogenicity. Review status: criteria provided, conflicting classifications (1 of 4 stars). 5 submissions from 5 submitters: Uncertain significance (2); Likely benign (3). Last evaluated 2026-01-21.

Allele frequency attached by ClinVar (database versions not stated): 1000 Genomes Project 0.00080; gnomAD exomes 0.00103 and 0.00167; TOPMed 0.00116; gnomAD 0.00118; 1000 Genomes Project 30x 0.00156; ExAC 0.00271.
gnomAD v4.1: 2,418 of 1,463,852 alleles (0.17%); highest among the groups gnomAD compares: Non-Finnish European, 0.19%; 1 homozygote.

Submissions (5):

Labcorp Genetics (formerly Invitae), Labcorp
Classification: Likely benign. Last evaluated: 2026-01-21. Review status: criteria provided, single submitter. Criteria: Invitae Variant Classification Sherloc (09022015). Collection method: clinical testing. Allele origin: germline.

CeGaT Center for Human Genetics Tuebingen
Classification: Likely benign. Last evaluated: 2025-05-01. Review status: criteria provided, single submitter. Criteria: CeGaT Center For Human Genetics Tuebingen Variant Classification Criteria Version 2. Collection method: clinical testing. Allele origin: germline. Affected: yes. Observed: 3 variant alleles.
Comment: SPEG: BS2

Blueprint Genetics
Classification: Likely benign. Last evaluated: 2024-11-25. Review status: criteria provided, single submitter. Criteria: ACMG Guidelines, 2015. Collection method: clinical testing. Allele origin: germline.

GeneDx
Classification: Uncertain significance. Last evaluated: 2022-09-02. Review status: criteria provided, single submitter. Criteria: GeneDx Variant Classification Process June 2021. Collection method: clinical testing. Allele origin: germline. Affected: yes.
Comment: In silico analysis supports that this missense variant does not alter protein structure/function; Has not been previously published as pathogenic or benign to our knowledge

Mayo Clinic Laboratories, Mayo Clinic
Classification: Uncertain significance. Last evaluated: 2020-04-06. Review status: criteria provided, single submitter. Criteria: ACMG Guidelines, 2015. Collection method: clinical testing. Allele origin: germline. Observed: 1 variant allele.